The following is an entry in ClinVar:

NM_138387.4(G6PC3):c.223C>A (p.Leu75Ile)

Gene: G6PC3 (glucose-6-phosphatase catalytic subunit 3; plus strand). Cytogenetic location: 17q21.31.
Variant type: single nucleotide variant.
Coding change: c.223C>A on transcript NM_138387.4 (MANE Select); coding-DNA position 223, C replaced by A.
Protein change: p.Leu75Ile; replaces leucine 75 with isoleucine.
Molecular consequence: missense variant. On other transcripts: 5 prime UTR variant (4).
Genome position (GRCh38, 1-based): chr17:44,074,164, C>A. VCF-style: chr17-44074164-C-A. GRCh37 (hg19) VCF-style: chr17-42151532-C-A.
Other names: c.223C>A, p.Leu75Ile (NM_001319945.2); c.-123C>A (NM_001384165.1, NM_001384166.1, NM_001384167.1 and 1 more transcripts); short protein forms L75I.
Identifiers: ClinVar variation 4620515 (VCV004620515.1).

ClinVar aggregate classification (germline): Uncertain significance (1 of 4 stars; one submission).

Conditions:
Inborn genetic diseases. Identifiers: MedGen C0950123, MeSH D030342.

Submission:

Ambry Genetics
Classification: Uncertain significance for Inborn genetic diseases. Last evaluated: 2025-11-11. Review status: criteria provided, single submitter. Criteria: Ambry Variant Classification Scheme 2023. Collection method: clinical testing. Allele origin: germline.
Comment: The p.L75I variant (also known as c.223C>A), located in coding exon 2 of the G6PC3 gene, results from a C to A substitution at nucleotide position 223. The leucine at codon 75 is replaced by isoleucine, an amino acid with highly similar properties. This amino acid position is conserved. In addition, the in silico prediction for this alteration is inconclusive. Based on the available evidence, the clinical significance of this variant remains unclear.